The following is an entry in ClinVar:

NM_001099274.3(TINF2):c.802G>C (p.Val268Leu)

Gene: TINF2 (TERF1 interacting nuclear factor 2; minus strand). Cytogenetic location: 14q12.
Variant type: single nucleotide variant.
Coding change: c.802G>C on transcript NM_001099274.3 (MANE Select); coding-DNA position 802, G replaced by C.
Protein change: p.Val268Leu; replaces valine 268 with leucine.
Molecular consequence: missense variant.
Genome position (GRCh38, 1-based): chr14:24,240,678, C>G on the plus strand (G>C on the coding strand, the complement: TINF2 is on the minus strand). VCF-style: chr14-24240678-C-G. GRCh37 (hg19) VCF-style: chr14-24709884-C-G.
Other names: c.697G>C, p.Val233Leu (NM_001363668.2); c.802G>C, p.Val268Leu (NM_012461.3); short protein forms V268L, V233L.
Identifiers: ClinVar variation 1385538 (VCV001385538.8), dbSNP rs369926102, ClinGen allele CA257880949.
Genomic context (GRCh38, chr14:24,240,678, plus strand): 5'-ACAGCATGACTGTGGGGCGCTCCTTATGGCCTCCCCTAGTGGAGGCCCATTGGGACTGAA[C>G]TCTTCGTCGGCCTAGAGGGGCCAGATTGAAGTGTCGGCCAGCTAGAGGTTCTGGGTGCGT-3'
Protein context (NP_001092744.1, residues 258-278): FNLAPLGRRR[Val268Leu]QSQWASTRGG

ClinVar aggregate classification (germline): Uncertain significance. Review status: criteria provided, multiple submitters, no conflicts (2 of 4 stars). 4 submissions from 4 submitters: Uncertain significance (4). Last evaluated 2026-04-23.

Conditions:
Revesz syndrome. Also called: DYSKERATOSIS CONGENITA, AUTOSOMAL DOMINANT 5; EXUDATIVE RETINOPATHY WITH BONE MARROW FAILURE. Identifiers: Orphanet 3088, MedGen C1327916, MONDO:0009990, OMIM 268130.
Dyskeratosis congenita, autosomal dominant 3. Identifiers: MedGen C3151445, MONDO:0013522, OMIM 613990.
Dyskeratosis congenita, autosomal dominant 1 (DKCA1). Also called: Dyskeratosis congenita Scoggins type. Identifiers: Orphanet 1775, MedGen C4551974, MONDO:0007485, OMIM 127550. Inheritance: Variable.
Dyskeratosis congenita. Identifiers: Orphanet 1775, MedGen C0265965, MONDO:0015780.
TINF2-related disorder. Also called: TINF2-related condition.

Allele frequency attached by ClinVar (database versions not stated): gnomAD 0.00001; gnomAD exomes 0.00001; TOPMed 0.00002; ESP Exome Variant Server 0.00008.
gnomAD v4.1: 13 of 1,614,058 alleles (0.00081%); highest among the groups gnomAD compares: Admixed American, 0.0033%; no homozygotes.

Submissions (4):

PreventionGenetics, part of Exact Sciences
Classification: Uncertain significance for TINF2-related condition. Last evaluated: 2026-04-23. Review status: criteria provided, single submitter. Criteria: ACMG Guidelines, 2015. Collection method: clinical testing. Allele origin: germline.
Comment: The TINF2 c.802G>C variant is predicted to result in the amino acid substitution p.Val268Leu. To our knowledge, this variant has not been reported in the literature. This variant is reported in 0.0029% of alleles in individuals of Latino descent in gnomAD. At this time, the clinical significance of this variant is uncertain due to the absence of conclusive functional and genetic evidence.

Labcorp Genetics (formerly Invitae), Labcorp
Classification: Uncertain significance for Dyskeratosis congenita. Last evaluated: 2025-04-19. Review status: criteria provided, single submitter. Criteria: Invitae Variant Classification Sherloc (09022015). Collection method: clinical testing. Allele origin: germline.
Comment: This sequence change replaces valine, which is neutral and non-polar, with leucine, which is neutral and non-polar, at codon 268 of the TINF2 protein (p.Val268Leu). This variant is present in population databases (rs369926102, gnomAD 0.003%). This variant has not been reported in the literature in individuals affected with TINF2-related conditions. ClinVar contains an entry for this variant (Variation ID: 1385538). An algorithm developed to predict the effect of missense changes on protein structure and function outputs the following: PolyPhen-2: "Benign". The leucine amino acid residue is found in multiple mammalian species, which suggests that this missense change does not adversely affect protein function. In summary, the available evidence is currently insufficient to determine the role of this variant in disease. Therefore, it has been classified as a Variant of Uncertain Significance.

Women's Health and Genetics/Laboratory Corporation of America, LabCorp
Classification: Uncertain significance. Last evaluated: 2023-06-16. Review status: criteria provided, single submitter. Criteria: LabCorp Variant Classification Summary - May 2015. Collection method: clinical testing. Allele origin: germline.
Comment: Variant summary: TINF2 c.802G>C (p.Val268Leu) results in a conservative amino acid change in the encoded protein sequence. Five of five in-silico tools predict a benign effect of the variant on protein function. The variant allele was found at a frequency of 1.2e-05 in 249304 control chromosomes. The available data on variant occurrences in the general population are insufficient to allow any conclusion about variant significance. To our knowledge, no occurrence of c.802G>C in individuals affected with TINF2-Related Disorders and no experimental evidence demonstrating its impact on protein function have been reported. Two clinical diagnostic laboratories have submitted clinical-significance assessments for this variant to ClinVar after 2014. All laboratories classified the variant as uncertain significance. Based on the evidence outlined above, the variant was classified as uncertain significance.

Fulgent Genetics
Classification: Uncertain significance for Dyskeratosis congenita, autosomal dominant 1; Revesz syndrome; Dyskeratosis congenita, autosomal dominant 3. Last evaluated: 2021-08-03. Review status: criteria provided, single submitter. Criteria: ACMG Guidelines, 2015. Collection method: clinical testing. Allele origin: unknown.